The following is an entry in ClinVar:

NM_032776.3(JMJD1C):c.1592T>C (p.Leu531Pro)

Gene: JMJD1C (jumonji domain containing 1C; minus strand). Cytogenetic location: 10q21.3.
Variant type: single nucleotide variant.
Coding change: c.1592T>C on transcript NM_032776.3 (MANE Select); coding-DNA position 1592, T replaced by C.
Protein change: p.Leu531Pro; replaces leucine 531 with proline.
Molecular consequence: missense variant. On other transcripts: non-coding transcript variant (1).
Genome position (GRCh38, 1-based): chr10:63,214,575, A>G on the plus strand (T>C on the coding strand, the complement: JMJD1C is on the minus strand). VCF-style: chr10-63214575-A-G. GRCh37 (hg19) VCF-style: chr10-64974335-A-G.
Other names: c.1046T>C, p.Leu349Pro (NM_001282948.2, NM_001318154.2); c.728T>C, p.Leu243Pro (NM_001318153.2); c.1478T>C, p.Leu493Pro (NM_001322252.2); c.935T>C, p.Leu312Pro (NM_001322254.2, NM_001322258.2); short protein forms L243P, L349P, L493P, L312P, L531P.
Identifiers: ClinVar variation 1518956 (VCV001518956.8), dbSNP rs2133222974, ClinGen allele CA377048534.

ClinVar aggregate classification (germline): Uncertain significance (1 of 4 stars; one submission).

Conditions:
Early Myoclonic Encephalopathy. Identifiers: MedGen C0270855.

Submission:

Labcorp Genetics (formerly Invitae), Labcorp
Classification: Uncertain significance for Early Myoclonic Encephalopathy. Last evaluated: 2024-02-26. Review status: criteria provided, single submitter. Criteria: Invitae Variant Classification Sherloc (09022015). Collection method: clinical testing. Allele origin: germline.
Comment: This sequence change replaces leucine, which is neutral and non-polar, with proline, which is neutral and non-polar, at codon 531 of the JMJD1C protein (p.Leu531Pro). This variant is not present in population databases (gnomAD no frequency). This variant has not been reported in the literature in individuals affected with JMJD1C-related conditions. ClinVar contains an entry for this variant (Variation ID: 1518956). Advanced modeling of protein sequence and biophysical properties (such as structural, functional, and spatial information, amino acid conservation, physicochemical variation, residue mobility, and thermodynamic stability) performed at Invitae indicates that this missense variant is not expected to disrupt JMJD1C protein function with a negative predictive value of 80%. In summary, the available evidence is currently insufficient to determine the role of this variant in disease. Therefore, it has been classified as a Variant of Uncertain Significance.